The following is an entry in ClinVar:

ClinVar aggregate classification (germline): Uncertain significance (1 of 4 stars; one submission).

gnomAD v4.1: 5 of 1,614,092 alleles (0.00031%); highest among the groups gnomAD compares: African/African-American, 0.0067%; no homozygotes.

Submission:

Labcorp Genetics (formerly Invitae), Labcorp
Classification: Uncertain significance. Last evaluated: 2024-07-31. Review status: criteria provided, single submitter. Criteria: Invitae Variant Classification Sherloc (09022015). Collection method: clinical testing. Allele origin: germline.
Comment: This sequence change replaces proline, which is neutral and non-polar, with alanine, which is neutral and non-polar, at codon 580 of the KCNH1 protein (p.Pro580Ala). This variant is present in population databases (no rsID available, gnomAD 0.02%). This variant has not been reported in the literature in individuals affected with KCNH1-related conditions. Advanced modeling of protein sequence and biophysical properties (such as structural, functional, and spatial information, amino acid conservation, physicochemical variation, residue mobility, and thermodynamic stability) has been performed at Invitae for this missense variant, however the output from this modeling did not meet the statistical confidence thresholds required to predict the impact of this variant on KCNH1 protein function. In summary, the available evidence is currently insufficient to determine the role of this variant in disease. Therefore, it has been classified as a Variant of Uncertain Significance.

NM_172362.3(KCNH1):c.1738C>G (p.Pro580Ala)

Gene: KCNH1 (potassium voltage-gated channel subfamily H member 1; minus strand). Cytogenetic location: 1q32.2.
Variant type: single nucleotide variant.
Coding change: c.1738C>G on transcript NM_172362.3 (MANE Select); coding-DNA position 1738, C replaced by G.
Protein change: p.Pro580Ala; replaces proline 580 with alanine.
Molecular consequence: missense variant.
Genome position (GRCh38, 1-based): chr1:210,797,685, G>C on the plus strand (C>G on the coding strand, the complement: KCNH1 is on the minus strand). VCF-style: chr1-210797685-G-C. GRCh37 (hg19) VCF-style: chr1-210971027-G-C.
Other names: c.1657C>G, p.Pro553Ala (NM_002238.4); short protein forms P553A, P580A.
Identifiers: ClinVar variation 2740102 (VCV002740102.3), dbSNP rs1298846019, ClinGen allele CA344872716.